The following is an entry in ClinVar:

NM_000834.5(GRIN2B):c.1665C>T (p.Ser555=)

Gene: GRIN2B (glutamate ionotropic receptor NMDA type subunit 2B; minus strand). Cytogenetic location: 12p13.1.
Variant type: single nucleotide variant.
Coding change: c.1665C>T on transcript NM_000834.5 (MANE Select); coding-DNA position 1665, C replaced by T.
Protein change: p.Ser555=; no amino-acid change (serine 555 retained).
Molecular consequence: synonymous variant.
Genome position (GRCh38, 1-based): chr12:13,611,840, G>A on the plus strand (C>T on the coding strand, the complement: GRIN2B is on the minus strand). VCF-style: chr12-13611840-G-A. GRCh37 (hg19) VCF-style: chr12-13764774-G-A.
Other names: p.Ser555=.
Identifiers: ClinVar variation 129200 (VCV000129200.31), dbSNP rs1805482, ClinGen allele CA153040.
Genomic context (GRCh38, chr12:13,611,840, plus strand): 5'-AAAGACAGCCACGGCTGAGACGATGAGCAGCATCACAAACATCATCACCCATACGTCAGC[G>A]CTGAATGGCTCTGAGGAAGGGAAAAAAGCAGTGCTCAGGGTTAGAACAGAGAGCAAAAGA-3'
Protein context (NP_000825.2, residues 545-565): VSPSAFLEPF[Ser555=]ADVWVMMFVM

ClinVar aggregate classification (germline): Benign/Likely benign. Review status: criteria provided, multiple submitters, no conflicts (2 of 4 stars). 14 submissions from 13 submitters: Benign (10); Likely benign (1). 3 of the submissions do not count toward it. Last evaluated 2026-02-04.

Conditions:
Intellectual developmental disorder, autosomal dominant 6, with or without seizures. Also called: Intellectual disability, autosomal dominant 6; GRIN2B-related developmental delay, intellectual disability and autism spectrum disorder. Identifiers: Orphanet 589547, MedGen C3151411, MONDO:0013509, OMIM 613970.
Developmental and epileptic encephalopathy, 27 (DEE27). Also called: Epileptic encephalopathy, early infantile, 27; GRIN2B-Related Neurodevelopmental Disorder. Identifiers: Orphanet 3451, MedGen C4015316, MONDO:0014505, OMIM 616139.
Inborn genetic diseases. Identifiers: MedGen C0950123, MeSH D030342.

Allele frequency attached by ClinVar (database versions not stated): 1000 Genomes Project 0.19010; 1000 Genomes Project 30x 0.19613; gnomAD 0.26136 and 0.26553; ExAC 0.26466; gnomAD exomes 0.27116 and 0.31029; TOPMed 0.27589; ESP Exome Variant Server 0.28010.
gnomAD v4.1: 492,018 of 1,612,232 alleles (31%); highest among the groups gnomAD compares: Admixed American, 38%; 80,193 homozygotes.

Submissions (14):

Labcorp Genetics (formerly Invitae), Labcorp
Classification: Benign for Developmental and epileptic encephalopathy, 27; Intellectual developmental disorder, autosomal dominant 6, with or without seizures. Last evaluated: 2026-02-04. Review status: criteria provided, single submitter. Criteria: Invitae Variant Classification Sherloc (09022015). Collection method: clinical testing. Allele origin: germline.

Blueprint Genetics
Classification: Likely benign. Last evaluated: 2024-11-27. Review status: criteria provided, single submitter. Criteria: ACMG Guidelines, 2015. Collection method: clinical testing. Allele origin: germline.

Unidad de Genómica Garrahan, Hospital de Pediatría Garrahan
Classification: Benign. Last evaluated: 2024-07-15. Review status: criteria provided, single submitter. Criteria: ACMG Guidelines, 2015. Collection method: clinical testing. Allele origin: germline. Affected: no. Observed: 60 variant alleles.
Comment: This variant is classified as Benign based on local population frequency. This variant was detected in 65% of patients studied in a panel designed for Epileptic and Developmental Encephalopathy and Progressive Myoclonus Epilepsy. Number of patients: 60. Only high quality variants are reported.

Genome-Nilou Lab
Classification: Benign for Developmental and epileptic encephalopathy, 27. Last evaluated: 2021-08-10. Review status: criteria provided, single submitter. Criteria: ACMG Guidelines, 2015. Collection method: clinical testing. Allele origin: germline. Affected: no.

Genome-Nilou Lab
Classification: Benign for Intellectual developmental disorder, autosomal dominant 6, with or without seizures. Last evaluated: 2021-08-10. Review status: criteria provided, single submitter. Criteria: ACMG Guidelines, 2015. Collection method: clinical testing. Allele origin: germline. Affected: no.

Mayo Clinic Laboratories, Mayo Clinic
Classification: Benign. Last evaluated: 2018-04-02. Review status: criteria provided, single submitter. Criteria: ACMG Guidelines, 2015. Collection method: clinical testing. Allele origin: germline. Observed: 284 variant alleles.

Genome Diagnostics Laboratory, University Medical Center Utrecht
Classification: Benign for Intellectual developmental disorder, autosomal dominant 6, with or without seizures. Last evaluated: 2017-07-28. Review status: criteria provided, single submitter. Criteria: ACGS Guidelines, 2013. Collection method: clinical testing. Allele origin: germline. Affected: yes. Study: VKGL Data-share Consensus.

Athena Diagnostics
Classification: Benign. Last evaluated: 2017-04-20. Review status: criteria provided, single submitter. Criteria: Athena Diagnostics Criteria. Collection method: clinical testing. Allele origin: germline.

Ambry Genetics
Classification: Benign for Inborn genetic diseases. Last evaluated: 2016-02-22. Review status: criteria provided, single submitter. Criteria: Ambry Variant Classification Scheme 2023. Collection method: clinical testing. Allele origin: germline.

GeneDx
Classification: Benign. Last evaluated: 2015-03-03. Review status: criteria provided, single submitter. Criteria: GeneDx Variant Classification Process June 2021. Collection method: clinical testing. Allele origin: germline. Affected: yes.

Breakthrough Genomics
Classification: Benign. Review status: criteria provided, single submitter. Criteria: ACMG Guidelines, 2015. Collection method: not provided. Allele origin: germline. Inheritance: Autosomal dominant inheritance. Affected: yes.

Diagnostic Laboratory, Department of Genetics, University Medical Center Groningen
Classification: Benign for Intellectual developmental disorder, autosomal dominant 6, with or without seizures. Review status: no assertion criteria provided. Collection method: clinical testing. Allele origin: germline. Affected: yes. Study: VKGL Data-share Consensus. Not counted in ClinVar's aggregate classification.

Genetic Services Laboratory, University of Chicago
Classification: Likely benign for AllHighlyPenetrant. Review status: no assertion criteria provided. Collection method: clinical testing. Allele origin: germline. Inheritance: Autosomal dominant inheritance. Not counted in ClinVar's aggregate classification.
Comment: Likely benign based on allele frequency in 1000 Genomes Project or ESP global frequency and its presence in a patient with a rare or unrelated disease phenotype. NOT Sanger confirmed.

Joint Genome Diagnostic Labs from Nijmegen and Maastricht, Radboudumc and MUMC+
Classification: Benign. Review status: no assertion criteria provided. Collection method: clinical testing. Allele origin: germline. Affected: yes. Study: VKGL Data-share Consensus. Not counted in ClinVar's aggregate classification.